The following is an entry in ClinVar:

ClinVar aggregate classification (germline): Benign/Likely benign. Review status: criteria provided, multiple submitters, no conflicts (2 of 4 stars). 4 submissions from 4 submitters: Benign (1); Likely benign (3). Last evaluated 2026-06-01.

Conditions:
Hereditary cancer-predisposing syndrome. Also called: Neoplastic Syndromes, Hereditary; Tumor predisposition; Hereditary neoplastic syndrome; Hereditary Cancer Syndrome. Identifiers: Orphanet 140162, MedGen C0027672, MeSH D009386, MONDO:0015356.
Tuberous sclerosis 2 (TSC2). Identifiers: Orphanet 805, MedGen C1860707, MONDO:0013199, OMIM 613254.

Submissions (4):

Women's Health and Genetics/Laboratory Corporation of America, LabCorp
Classification: Likely benign. Last evaluated: 2026-06-01. Review status: criteria provided, single submitter. Criteria: LabCorp Variant Classification Summary - May 2015. Collection method: clinical testing. Allele origin: germline.

Labcorp Genetics (formerly Invitae), Labcorp
Classification: Likely benign for Tuberous sclerosis 2. Last evaluated: 2025-06-03. Review status: criteria provided, single submitter. Criteria: Invitae Variant Classification Sherloc (09022015). Collection method: clinical testing. Allele origin: germline.

Myriad Genetics, Inc.
Classification: Benign for Tuberous sclerosis 2. Last evaluated: 2025-05-19. Review status: criteria provided, single submitter. Criteria: Myriad Autosomal Dominant, Autosomal Recessive and X-Linked Classification Criteria (2023). Collection method: clinical testing. Allele origin: unknown.
Comment: This variant is considered benign. This variant is a silent/synonymous amino acid change and it is not expected to impact splicing.

Ambry Genetics
Classification: Likely benign for Hereditary cancer-predisposing syndrome. Last evaluated: 2023-04-08. Review status: criteria provided, single submitter. Criteria: Ambry Variant Classification Scheme 2023. Collection method: clinical testing. Allele origin: germline.

NM_000548.5(TSC2):c.2232A>C (p.Pro744=)

Gene: TSC2 (TSC complex subunit 2; plus strand). Cytogenetic location: 16p13.3.
Variant type: single nucleotide variant.
Coding change: c.2232A>C on transcript NM_000548.5 (MANE Select); coding-DNA position 2232, A replaced by C.
Protein change: p.Pro744=; no amino-acid change (proline 744 retained).
Molecular consequence: synonymous variant.
Genome position (GRCh38, 1-based): chr16:2,072,860, A>C. VCF-style: chr16-2072860-A-C. GRCh37 (hg19) VCF-style: chr16-2122861-A-C.
Other names: c.2232A>C, p.Pro744= (NM_001077183.3, NM_001114382.3, NM_001363528.2 and 3 more transcripts); c.2121A>C, p.Pro707= (NM_001318827.2); c.2085A>C, p.Pro695= (NM_001318829.2); c.1632A>C, p.Pro544= (NM_001318831.2); c.2265A>C, p.Pro755= (NM_001318832.2); c.2232A>C (NM_000548.3).
Identifiers: ClinVar variation 1551626 (VCV001551626.11), dbSNP rs1259596608, ClinGen allele CA492952191.